The following is an entry in ClinVar:

ClinVar aggregate classification (germline): Uncertain significance. Review status: criteria provided, multiple submitters, no conflicts (2 of 4 stars). 2 submissions from 2 submitters: Uncertain significance (2). Last evaluated 2022-08-09.

Conditions:
Inborn genetic diseases. Identifiers: MedGen C0950123, MeSH D030342.
D-2-hydroxyglutaric aciduria 1 (D2HGA1). Identifiers: Orphanet 79315, MedGen C3152055, MONDO:0024554, OMIM 600721.

Allele frequency attached by ClinVar (database versions not stated): gnomAD exomes below 0.00001.
gnomAD v4.1: 2 of 1,529,242 alleles (0.00013%); highest among the groups gnomAD compares: Non-Finnish European, 0.00017%; no homozygotes.

Submissions (2):

Labcorp Genetics (formerly Invitae), Labcorp
Classification: Uncertain significance for D-2-hydroxyglutaric aciduria 1. Last evaluated: 2022-08-09. Review status: criteria provided, single submitter. Criteria: Invitae Variant Classification Sherloc (09022015). Collection method: clinical testing. Allele origin: germline.
Comment: In summary, the available evidence is currently insufficient to determine the role of this variant in disease. Therefore, it has been classified as a Variant of Uncertain Significance. Algorithms developed to predict the effect of missense changes on protein structure and function (SIFT, PolyPhen-2, Align-GVGD) all suggest that this variant is likely to be tolerated. This variant has not been reported in the literature in individuals affected with D2HGDH-related conditions. This variant is not present in population databases (gnomAD no frequency). This sequence change replaces proline, which is neutral and non-polar, with serine, which is neutral and polar, at codon 27 of the D2HGDH protein (p.Pro27Ser).

Ambry Genetics
Classification: Uncertain significance for Inborn genetic diseases. Last evaluated: 2022-05-25. Review status: criteria provided, single submitter. Criteria: Ambry Variant Classification Scheme 2023. Collection method: clinical testing. Allele origin: germline.

NM_152783.5(D2HGDH):c.79C>T (p.Pro27Ser)

Gene: D2HGDH (D-2-hydroxyglutarate dehydrogenase; plus strand). Cytogenetic location: 2q37.3.
Variant type: single nucleotide variant.
Coding change: c.79C>T on transcript NM_152783.5 (MANE Select); coding-DNA position 79, C replaced by T.
Protein change: p.Pro27Ser; replaces proline 27 with serine.
Molecular consequence: missense variant. On other transcripts: 5 prime UTR variant (1), non-coding transcript variant (1), intron variant (1).
Genome position (GRCh38, 1-based): chr2:241,735,303, C>T. VCF-style: chr2-241735303-C-T. GRCh37 (hg19) VCF-style: chr2-242674718-C-T.
Other names: c.-466C>T (NM_001352824.2); c.-111+608C>T (NM_001287249.2); short protein forms P27S.
Identifiers: ClinVar variation 1940677 (VCV001940677.6), dbSNP rs931898018, ClinGen allele CA68581997.